The following is an entry in ClinVar:

NM_012120.3(CD2AP):c.26A>G (p.Asp9Gly)

Gene: CD2AP (CD2 associated protein; plus strand). Cytogenetic location: 6p12.3.
Variant type: single nucleotide variant.
Coding change: c.26A>G on transcript NM_012120.3 (MANE Select); coding-DNA position 26, A replaced by G.
Protein change: p.Asp9Gly; replaces aspartic acid 9 with glycine.
Molecular consequence: missense variant.
Genome position (GRCh38, 1-based): chr6:47,503,301, A>G. VCF-style: chr6-47503301-A-G. GRCh37 (hg19) VCF-style: chr6-47471037-A-G.
Other names: short protein forms D9G.
Identifiers: ClinVar variation 999719 (VCV000999719.10), dbSNP rs367952819, ClinGen allele CA3843878.

ClinVar aggregate classification (germline): Uncertain significance. Review status: criteria provided, multiple submitters, no conflicts (2 of 4 stars). 2 submissions from 2 submitters: Uncertain significance (2). Last evaluated 2025-09-13.

Conditions:
Focal segmental glomerulosclerosis 3, susceptibility to (FSGS3). Identifiers: Orphanet 656, MedGen C1842982, MONDO:0011917, OMIM 607832.

Allele frequency attached by ClinVar (database versions not stated): gnomAD exomes 0.00006 and 0.00011; ESP Exome Variant Server 0.00008; ExAC 0.00011; gnomAD 0.00011 and 0.00012; TOPMed 0.00013.
gnomAD v4.1: 117 of 1,613,788 alleles (0.0073%); highest among the groups gnomAD compares: South Asian, 0.036%; no homozygotes.

Submissions (2):

Labcorp Genetics (formerly Invitae), Labcorp
Classification: Uncertain significance. Last evaluated: 2025-09-13. Review status: criteria provided, single submitter. Criteria: Invitae Variant Classification Sherloc (09022015). Collection method: clinical testing. Allele origin: germline.
Comment: This sequence change replaces aspartic acid, which is acidic and polar, with glycine, which is neutral and non-polar, at codon 9 of the CD2AP protein (p.Asp9Gly). This variant is present in population databases (rs367952819, gnomAD 0.1%). This variant has not been reported in the literature in individuals affected with CD2AP-related conditions. ClinVar contains an entry for this variant (Variation ID: 999719). Invitae Evidence Modeling of protein sequence and biophysical properties (such as structural, functional, and spatial information, amino acid conservation, physicochemical variation, residue mobility, and thermodynamic stability) has been performed for this missense variant. However, the output from this modeling did not meet the statistical confidence thresholds required to predict the impact of this variant on CD2AP protein function. In summary, the available evidence is currently insufficient to determine the role of this variant in disease. Therefore, it has been classified as a Variant of Uncertain Significance.

Fulgent Genetics
Classification: Uncertain significance for Focal segmental glomerulosclerosis 3, susceptibility to. Last evaluated: 2024-06-20. Review status: criteria provided, single submitter. Criteria: ACMG Guidelines, 2015. Collection method: clinical testing. Allele origin: germline.